The following is an entry in ClinVar:

NM_000452.3(SLC10A2):c.737G>A (p.Arg246Lys)

Gene: SLC10A2 (solute carrier family 10 member 2; minus strand). Cytogenetic location: 13q33.1.
Variant type: single nucleotide variant.
Coding change: c.737G>A on transcript NM_000452.3 (MANE Select); coding-DNA position 737, G replaced by A.
Protein change: p.Arg246Lys; replaces arginine 246 with lysine.
Molecular consequence: missense variant.
Genome position (GRCh38, 1-based): chr13:103,051,281, C>T on the plus strand (G>A on the coding strand, the complement: SLC10A2 is on the minus strand). VCF-style: chr13-103051281-C-T. GRCh37 (hg19) VCF-style: chr13-103703631-C-T.
Other names: short protein forms R246K.
Identifiers: ClinVar variation 2705570 (VCV002705570.3), dbSNP rs138811603, ClinGen allele CA388606044.

ClinVar aggregate classification (germline): Uncertain significance (1 of 4 stars; one submission).

Submission:

Labcorp Genetics (formerly Invitae), Labcorp
Classification: Uncertain significance. Last evaluated: 2024-01-06. Review status: criteria provided, single submitter. Criteria: Invitae Variant Classification Sherloc (09022015). Collection method: clinical testing. Allele origin: germline.
Comment: This sequence change replaces arginine, which is basic and polar, with lysine, which is basic and polar, at codon 246 of the SLC10A2 protein (p.Arg246Lys). This variant is not present in population databases (gnomAD no frequency). This variant has not been reported in the literature in individuals affected with SLC10A2-related conditions. Advanced modeling of protein sequence and biophysical properties (such as structural, functional, and spatial information, amino acid conservation, physicochemical variation, residue mobility, and thermodynamic stability) performed at Invitae indicates that this missense variant is not expected to disrupt SLC10A2 protein function with a negative predictive value of 80%. In summary, the available evidence is currently insufficient to determine the role of this variant in disease. Therefore, it has been classified as a Variant of Uncertain Significance.